The following is an entry in ClinVar:

NM_000135.4(FANCA):c.213A>G (p.Lys71=)

Gene: FANCA (FA complementation group A; minus strand). Cytogenetic location: 16q24.3.
Variant type: single nucleotide variant.
Coding change: c.213A>G on transcript NM_000135.4 (MANE Select); coding-DNA position 213, A replaced by G.
Protein change: p.Lys71=; no amino-acid change (lysine 71 retained).
Molecular consequence: synonymous variant.
Genome position (GRCh38, 1-based): chr16:89,814,590, T>C on the plus strand (A>G on the coding strand, the complement: FANCA is on the minus strand). VCF-style: chr16-89814590-T-C. GRCh37 (hg19) VCF-style: chr16-89880998-T-C.
Other names: c.213A>G, p.Lys71= (NM_001018112.3, NM_001286167.3, NM_001351830.2).
Identifiers: ClinVar variation 3055515 (VCV003055515.3), dbSNP rs2041027459, ClinGen allele CA497196613.
Genomic context (GRCh38, chr16:89,814,590, plus strand): 5'-ACTAGAATGATTAGCATAGGCCTCAGAACTGTCACAGTCAATCACTTTGCTGAGAGACAA[T>C]TTTTTACACAGTGGACCTTCTACCTAGAATCCAAAACACAACAAACTCCATTTAAAAAAT-3'
Protein context (NP_000126.2, residues 61-81): LLEVEGPLCK[Lys71=]LSLSKVIDCD

ClinVar aggregate classification (germline): Likely benign. Review status: criteria provided, single submitter (1 of 4 stars). 2 submissions from 2 submitters: Likely benign (1). 1 of the submissions does not count toward it. Last evaluated 2025-04-04.

Conditions:
Inborn genetic diseases. Identifiers: MedGen C0950123, MeSH D030342.
FANCA-related disorder. Also called: FANCA-related condition.

gnomAD v4.1: 5 of 1,613,512 alleles (0.00031%); highest among the groups gnomAD compares: South Asian, 0.0022%; no homozygotes.

Submissions (2):

Ambry Genetics
Classification: Likely benign for Inborn genetic diseases. Last evaluated: 2025-04-04. Review status: criteria provided, single submitter. Criteria: Ambry Variant Classification Scheme 2023. Collection method: clinical testing. Allele origin: germline.

PreventionGenetics, part of Exact Sciences
Classification: Likely benign for FANCA-related condition. Last evaluated: 2022-04-11. Review status: no assertion criteria provided. Collection method: clinical testing. Allele origin: germline. Not counted in ClinVar's aggregate classification.
Comment: This variant is classified as likely benign based on ACMG/AMP sequence variant interpretation guidelines (Richards et al. 2015 PMID: 25741868, with internal and published modifications).